The following is an entry in ClinVar:

NM_001378414.1(HDAC4):c.1095G>A (p.Ala365=)

Gene: HDAC4 (histone deacetylase 4; minus strand). Cytogenetic location: 2q37.3.
Variant type: single nucleotide variant.
Coding change: c.1095G>A on transcript NM_001378414.1 (MANE Select); coding-DNA position 1095, G replaced by A.
Protein change: p.Ala365=; no amino-acid change (alanine 365 retained).
Molecular consequence: synonymous variant.
Genome position (GRCh38, 1-based): chr2:239,134,527, C>T on the plus strand (G>A on the coding strand, the complement: HDAC4 is on the minus strand). VCF-style: chr2-239134527-C-T. GRCh37 (hg19) VCF-style: chr2-240056223-C-T.
Other names: c.1095G>A, p.Ala365= (NM_001378415.1, NM_001378416.1, NM_001378417.1 and 1 more transcripts); c.1014G>A, p.Ala338= (NM_001435991.1, NM_001435992.1, NM_001435994.1 and 1 more transcripts); c.951G>A, p.Ala317= (NM_001435993.1); c.1080G>A, p.Ala360= (NM_001435996.1).
Identifiers: ClinVar variation 4750419 (VCV004750419.1).

ClinVar aggregate classification (germline): Uncertain significance (1 of 4 stars; one submission).

gnomAD v4.1: 17 of 1,613,794 alleles (0.0011%); highest among the groups gnomAD compares: Middle Eastern, 0.016%; no homozygotes.

Submission:

Labcorp Genetics (formerly Invitae), Labcorp
Classification: Uncertain significance. Last evaluated: 2025-02-10. Review status: criteria provided, single submitter. Criteria: Invitae Variant Classification Sherloc (09022015). Collection method: clinical testing. Allele origin: germline.
Comment: This sequence change affects codon 365 of the HDAC4 mRNA. It is a 'silent' change, meaning that it does not change the encoded amino acid sequence of the HDAC4 protein. This variant also falls at the last nucleotide of exon 10, which is part of the consensus splice site for this exon. This variant is present in population databases (rs751134483, gnomAD 0.006%). This variant has not been reported in the literature in individuals affected with HDAC4-related conditions. Variants that disrupt the consensus splice site are a relatively common cause of aberrant splicing (PMID: 17576681, 9536098). Algorithms developed to predict the effect of sequence changes on RNA splicing suggest that this variant is not likely to affect RNA splicing. In summary, the available evidence is currently insufficient to determine the role of this variant in disease. Therefore, it has been classified as a Variant of Uncertain Significance.

Literature cited by the submitters: PubMed 17576681; PubMed 9536098.